The following is an entry in ClinVar:

NM_001927.4(DES):c.79G>A (p.Gly27Ser)

Gene: DES (desmin; plus strand). Cytogenetic location: 2q35.
Variant type: single nucleotide variant.
Coding change: c.79G>A on transcript NM_001927.4 (MANE Select); coding-DNA position 79, G replaced by A.
Protein change: p.Gly27Ser; replaces glycine 27 with serine.
Molecular consequence: missense variant.
Genome position (GRCh38, 1-based): chr2:219,418,541, G>A. VCF-style: chr2-219418541-G-A. GRCh37 (hg19) VCF-style: chr2-220283263-G-A.
Other names: short protein forms G27S.
Identifiers: ClinVar variation 179455 (VCV000179455.21), dbSNP rs727504877, ClinGen allele CA184448.

ClinVar aggregate classification (germline): Uncertain significance. Review status: criteria provided, multiple submitters, no conflicts (2 of 4 stars). 9 submissions from 9 submitters: Uncertain significance (4). 5 of the submissions do not count toward it. Last evaluated 2023-09-27.

Conditions:
Cardiovascular phenotype. Identifiers: MedGen CN230736.
Desmin-related myofibrillar myopathy (MFM1). Also called: Desminopathy; Desmin related myopathy (former name); Desmin storage myopathy (former name); MYOFIBRILLAR MYOPATHY WITH ARRHYTHMOGENIC RIGHT VENTRICULAR CARDIOMYOPATHY; DESMIN-RELATED MYOPATHY WITH ARRHYTHMOGENIC RIGHT VENTRICULAR CARDIOMYOPATHY; Myofibrillar myopathy 1. Identifiers: Orphanet 363543, Orphanet 98909, MedGen C1832370, MONDO:0011076, OMIM 601419.

Allele frequency attached by ClinVar (database versions not stated): TOPMed below 0.00001; gnomAD 0.00001.

Submissions (9):

Ambry Genetics
Classification: Uncertain significance for Cardiovascular phenotype. Last evaluated: 2023-09-27. Review status: criteria provided, single submitter. Criteria: Ambry Variant Classification Scheme 2023. Collection method: clinical testing. Allele origin: germline.
Comment: The p.G27S variant (also known as c.79G>A), located in coding exon 1 of the DES gene, results from a G to A substitution at nucleotide position 79. The glycine at codon 27 is replaced by serine, an amino acid with similar properties. This variant was detected in a cardiomyopathy genetic testing cohort; however, clinical details were limited, and additional cardiac variants were detected in some cases. (van Lint FHM et al. Neth Heart J, 2019 Jun;27:304-309). This amino acid position is highly conserved in available vertebrate species. In addition, this alteration is predicted to be tolerated by in silico analysis. Since supporting evidence is limited at this time, the clinical significance of this alteration remains unclear.

Labcorp Genetics (formerly Invitae), Labcorp
Classification: Uncertain significance for Desmin-related myofibrillar myopathy. Last evaluated: 2022-05-27. Review status: criteria provided, single submitter. Criteria: Invitae Variant Classification Sherloc (09022015). Collection method: clinical testing. Allele origin: germline.
Comment: This sequence change replaces glycine, which is neutral and non-polar, with serine, which is neutral and polar, at codon 27 of the DES protein (p.Gly27Ser). The frequency data for this variant in the population databases is considered unreliable, as metrics indicate poor data quality at this position in the gnomAD database. This missense change has been observed in individual(s) with myopathy (PMID: 22215463). ClinVar contains an entry for this variant (Variation ID: 179455). Algorithms developed to predict the effect of missense changes on protein structure and function are either unavailable or do not agree on the potential impact of this missense change (SIFT: "Tolerated"; PolyPhen-2: "Not Available"; Align-GVGD: "Class C0"). Algorithms developed to predict the effect of sequence changes on RNA splicing suggest that this variant may create or strengthen a splice site. In summary, the available evidence is currently insufficient to determine the role of this variant in disease. Therefore, it has been classified as a Variant of Uncertain Significance.

GeneDx
Classification: Uncertain significance. Last evaluated: 2016-08-10. Review status: criteria provided, single submitter. Criteria: GeneDx Variant Classification (06012015). Collection method: clinical testing. Allele origin: germline. Affected: yes.
Comment: A variant of uncertain significance has been identified in the DES gene. While the G27S variant has not been published as a pathogenic or a benign variant to our knowledge, it has been classified as a variant of uncertain significance by another clinical laboratory in ClinVar (SCV000205960.3; Landrum et al., 2016). The G27S variant was not observed in approximately 5,600 individuals of European and African American ancestry in the NHLBI Exome Sequencing Project (average read depth 8.0). The G27S variant is a non-conservative amino acid substitution, which is likely to impact secondary protein structure as these residues differ in polarity, charge, size and/or other properties. However, this substitution occurs at a position that is conserved only in mammals. Finally, in silico analysis is inconsistent in its predictions as to whether or not the variant is damaging to the protein structure/function. Therefore, based on the currently available information, it is unclear whether this variant is pathogenic or rare benign.

Laboratory for Molecular Medicine, Mass General Brigham Personalized Medicine
Classification: Uncertain significance. Last evaluated: 2013-12-11. Review status: criteria provided, single submitter. Criteria: LMM Criteria. Collection method: clinical testing. Allele origin: germline. Observed: 1 variant allele.
Comment: The Gly27Ser variant in DES has not been previously reported in individuals with cardiomyopathy. Data from large population studies is insufficient to assess th e frequency of this variant. Computational analyses (biochemical amino acid prop erties, conservation, AlignGVGD, PolyPhen2, and SIFT) do not provide strong supp ort for or against an impact to the protein. Additional information is needed t o fully assess the clinical significance of the Glu838Gln variant.

Clinical Genetics DNA and cytogenetics Diagnostics Lab, Erasmus MC, Erasmus Medical Center
Classification: Uncertain significance. Review status: no assertion criteria provided. Collection method: clinical testing. Allele origin: germline. Affected: yes. Study: VKGL Data-share Consensus. Not counted in ClinVar's aggregate classification.

Clinical Genetics, Academic Medical Center
Classification: Uncertain significance. Review status: no assertion criteria provided. Collection method: clinical testing. Allele origin: germline. Affected: yes. Study: VKGL Data-share Consensus. Not counted in ClinVar's aggregate classification.

Diagnostic Laboratory, Department of Genetics, University Medical Center Groningen
Classification: Uncertain significance. Review status: no assertion criteria provided. Collection method: clinical testing. Allele origin: germline. Affected: yes. Study: VKGL Data-share Consensus. Not counted in ClinVar's aggregate classification.

Genome Diagnostics Laboratory, University Medical Center Utrecht
Classification: Uncertain significance. Review status: no assertion criteria provided. Collection method: clinical testing. Allele origin: germline. Affected: yes. Study: VKGL Data-share Consensus. Not counted in ClinVar's aggregate classification.

Joint Genome Diagnostic Labs from Nijmegen and Maastricht, Radboudumc and MUMC+
Classification: Uncertain significance. Review status: no assertion criteria provided. Collection method: clinical testing. Allele origin: germline. Affected: yes. Study: VKGL Data-share Consensus. Not counted in ClinVar's aggregate classification.

Literature cited by the submitters: PubMed 30847666 (cited by Ambry Genetics); PubMed 22215463 (cited by Labcorp Genetics (formerly Invitae), Labcorp).